The following is an entry in ClinVar:

ClinVar aggregate classification (germline): Uncertain significance (1 of 4 stars; one submission).

gnomAD v4.1: 16 of 1,613,062 alleles (0.00099%); highest among the groups gnomAD compares: Middle Eastern, 0.017%; no homozygotes.

Submission:

Labcorp Genetics (formerly Invitae), Labcorp
Classification: Uncertain significance. Last evaluated: 2025-03-17. Review status: criteria provided, single submitter. Criteria: Invitae Variant Classification Sherloc (09022015). Collection method: clinical testing. Allele origin: germline.
Comment: This sequence change replaces threonine, which is neutral and polar, with isoleucine, which is neutral and non-polar, at codon 112 of the RP1L1 protein (p.Thr112Ile). This variant is present in population databases (rs6601495, gnomAD 0.01%). This variant has not been reported in the literature in individuals affected with RP1L1-related conditions. ClinVar contains an entry for this variant (Variation ID: 1406430). Invitae Evidence Modeling of protein sequence and biophysical properties (such as structural, functional, and spatial information, amino acid conservation, physicochemical variation, residue mobility, and thermodynamic stability) indicates that this missense variant is not expected to disrupt RP1L1 protein function with a negative predictive value of 80%. In summary, the available evidence is currently insufficient to determine the role of this variant in disease. Therefore, it has been classified as a Variant of Uncertain Significance.

NM_178857.6(RP1L1):c.335C>T (p.Thr112Ile)

Gene: RP1L1 (RP1 like 1). Cytogenetic location: 8p23.1.
Variant type: single nucleotide variant.
Coding change: c.335C>T on transcript NM_178857.6 (MANE Select); coding-DNA position 335, C replaced by T.
Protein change: p.Thr112Ile; replaces threonine 112 with isoleucine.
Molecular consequence: missense variant.
Genome position (GRCh38, 1-based): chr8:10,622,867, G>A on the plus strand (C>T on the coding strand, the complement: RP1L1 is on the minus strand). VCF-style: chr8-10622867-G-A. GRCh37 (hg19) VCF-style: chr8-10480377-G-A.
Other names: short protein forms T112I.
Identifiers: ClinVar variation 1406430 (VCV001406430.6), dbSNP rs6601495, ClinGen allele CA4625752.